The following is an entry in ClinVar:

NM_001127649.3(PEX26):c.*1740C>G

Gene: PEX26 (peroxisomal biogenesis factor 26; plus strand). Cytogenetic location: 22q11.21.
Variant type: single nucleotide variant.
Coding change: c.*1740C>G on transcript NM_001127649.3 (MANE Select); 1740 bases downstream of the stop codon, C replaced by G.
Molecular consequence: 3 prime UTR variant.
Genome position (GRCh38, 1-based): chr22:18,089,815, C>G. VCF-style: chr22-18089815-C-G. GRCh37 (hg19) VCF-style: chr22-18572581-C-G.
Other names: c.*1740C>G (NM_001199319.2, NM_017929.6).
Identifiers: ClinVar variation 340799 (VCV000340799.5), dbSNP rs139987168, ClinGen allele CA10653219.

ClinVar aggregate classification (germline): Likely benign (1 of 4 stars; one submission).

Conditions:
Peroxisome biogenesis disorder 7A (Zellweger). Also called: Peroxisome biogenesis disorder 7A. Identifiers: Orphanet 912, MedGen C3888385, MONDO:0013938, OMIM 614872.

Allele frequency attached by ClinVar (database versions not stated): TOPMed 0.00466; 1000 Genomes Project 0.00539; 1000 Genomes Project 30x 0.00578.

Submission:

Illumina Laboratory Services, Illumina
Classification: Likely benign for Peroxisome biogenesis disorder 7A (Zellweger). Last evaluated: 2018-01-13. Review status: criteria provided, single submitter. Criteria: ICSL Variant Classification Criteria 13 December 2019. Collection method: clinical testing. Allele origin: germline.
Comment: This variant was observed in the ICSL laboratory as part of a predisposition screen in an ostensibly healthy population. It had not been previously curated by ICSL or reported in the Human Gene Mutation Database (HGMD: prior to June 1st, 2018), and was therefore a candidate for classification through an automated scoring system. Utilizing variant allele frequency, disease prevalence and penetrance estimates, and inheritance mode, an automated score was calculated to assess if this variant is too frequent to cause the disease. Based on the score and internal cut-off values, a variant classified as likely benign is not then subjected to further curation. The score for this variant resulted in a classification of likely benign for this disease.